The following is an entry in ClinVar:

NM_139315.3(TAF6):c.107G>C (p.Cys36Ser)

Gene: TAF6 (TATA-box binding protein associated factor 6; minus strand). Cytogenetic location: 7q22.1.
Variant type: single nucleotide variant.
Coding change: c.107G>C on transcript NM_139315.3 (MANE Select); coding-DNA position 107, G replaced by C.
Protein change: p.Cys36Ser; replaces cysteine 36 with serine.
Molecular consequence: missense variant. On other transcripts: non-coding transcript variant (1).
Genome position (GRCh38, 1-based): chr7:100,114,103, C>G on the plus strand (G>C on the coding strand, the complement: TAF6 is on the minus strand). VCF-style: chr7-100114103-C-G. GRCh37 (hg19) VCF-style: chr7-99711726-C-G.
Other names: c.107G>C (NM_005641.3); c.218G>C, p.Cys73Ser (NM_001190415.2); c.107G>C, p.Cys36Ser (NM_001364998.1, NM_001364999.1, NM_001365000.1 and 4 more transcripts); c.245G>C, p.Cys82Ser (NM_001365004.1); short protein forms C36S, C82S, C73S.
Identifiers: ClinVar variation 2064073 (VCV002064073.6), dbSNP rs4134897, ClinGen allele CA4375800.

ClinVar aggregate classification (germline): Uncertain significance. Review status: criteria provided, multiple submitters, no conflicts (2 of 4 stars). 3 submissions from 3 submitters: Uncertain significance (3). Last evaluated 2024-03-25.

Conditions:
Inborn genetic diseases. Identifiers: MedGen C0950123, MeSH D030342.

Allele frequency attached by ClinVar (database versions not stated): TOPMed 0.00025; 1000 Genomes Project 0.00020; 1000 Genomes Project 30x 0.00016; gnomAD 0.00020; ESP Exome Variant Server 0.00023; ExAC 0.00030.
gnomAD v4.1: 486 of 1,614,216 alleles (0.03%); highest among the groups gnomAD compares: Non-Finnish European, 0.038%; no homozygotes.

Submissions (3):

GeneDx
Classification: Uncertain significance. Last evaluated: 2024-03-25. Review status: criteria provided, single submitter. Criteria: GeneDx Variant Classification Process June 2021. Collection method: clinical testing. Allele origin: germline. Affected: yes.
Comment: In silico analysis supports that this missense variant does not alter protein structure/function; Has not been previously published as pathogenic or benign to our knowledge

Labcorp Genetics (formerly Invitae), Labcorp
Classification: Uncertain significance. Last evaluated: 2022-10-13. Review status: criteria provided, single submitter. Criteria: Invitae Variant Classification Sherloc (09022015). Collection method: clinical testing. Allele origin: germline.
Comment: This sequence change replaces cysteine, which is neutral and slightly polar, with serine, which is neutral and polar, at codon 36 of the TAF6 protein (p.Cys36Ser). This variant is present in population databases (rs4134897, gnomAD 0.04%). This variant has not been reported in the literature in individuals affected with TAF6-related conditions. Advanced modeling of protein sequence and biophysical properties (such as structural, functional, and spatial information, amino acid conservation, physicochemical variation, residue mobility, and thermodynamic stability) performed at Invitae indicates that this missense variant is not expected to disrupt TAF6 protein function. In summary, the available evidence is currently insufficient to determine the role of this variant in disease. Therefore, it has been classified as a Variant of Uncertain Significance.

Ambry Genetics
Classification: Uncertain significance for Inborn genetic diseases. Last evaluated: 2021-08-30. Review status: criteria provided, single submitter. Criteria: Ambry Variant Classification Scheme 2023. Collection method: clinical testing. Allele origin: germline.